The following is an entry in ClinVar:

NM_000414.4(HSD17B4):c.58+180C>A

Gene: HSD17B4 (hydroxysteroid 17-beta dehydrogenase 4; plus strand). Cytogenetic location: 5q23.1.
Variant type: single nucleotide variant.
Coding change: c.58+180C>A on transcript NM_000414.4 (MANE Select); 180 bases into the intron after coding-DNA position 58, C replaced by A.
Molecular consequence: intron variant. On other transcripts: synonymous variant (1), 5 prime UTR variant (6), non-coding transcript variant (1).
Genome position (GRCh38, 1-based): chr5:119,452,813, C>A. VCF-style: chr5-119452813-C-A. GRCh37 (hg19) VCF-style: chr5-118788508-C-A.
Other names: c.60C>A, p.Leu20= (NM_001199291.3); c.-362C>A (NM_001292028.2, NM_001374501.1); c.-296C>A (NM_001374499.1); c.-489C>A (NM_001374500.1); c.-367C>A (NM_001374502.1); c.-432C>A (NM_001374503.1); c.-80+180C>A (NM_001292027.2); c.58+180C>A (NM_001374498.1, NM_001374497.1, NM_001199292.2).
Identifiers: ClinVar variation 3029754 (VCV003029754.2), dbSNP rs2531474162, ClinGen allele CA446054434.

ClinVar aggregate classification (germline): Likely benign (0 of 4 stars; one submission).

Conditions:
HSD17B4-related disorder. Also called: HSD17B4-related condition; HSD17B4-related disorders.

Submission:

PreventionGenetics, part of Exact Sciences
Classification: Likely benign for HSD17B4-related condition. Last evaluated: 2022-04-26. Review status: no assertion criteria provided. Collection method: clinical testing. Allele origin: germline.
Comment: This variant is classified as likely benign based on ACMG/AMP sequence variant interpretation guidelines (Richards et al. 2015 PMID: 25741868, with internal and published modifications).